The following is an entry in ClinVar:

ClinVar aggregate classification (germline): Uncertain significance. Review status: criteria provided, multiple submitters, no conflicts (2 of 4 stars). 5 submissions from 5 submitters: Uncertain significance (4). 1 of the submissions does not count toward it. Last evaluated 2022-09-27.

Conditions:
Lysinuric protein intolerance (LPI). Identifiers: Orphanet 470, MedGen C0268647, MONDO:0009109, OMIM 222700.

Allele frequency attached by ClinVar (database versions not stated): TOPMed below 0.00001; ExAC 0.00002; gnomAD exomes 0.00002 and 0.00003; gnomAD 0.00003.
gnomAD v4.1: 47 of 1,614,210 alleles (0.0029%); highest among the groups gnomAD compares: South Asian, 0.049%; 1 homozygote.

Submissions (5):

Labcorp Genetics (formerly Invitae), Labcorp
Classification: Uncertain significance for Lysinuric protein intolerance. Last evaluated: 2022-09-27. Review status: criteria provided, single submitter. Criteria: Invitae Variant Classification Sherloc (09022015). Collection method: clinical testing. Allele origin: germline.
Comment: This sequence change replaces isoleucine, which is neutral and non-polar, with valine, which is neutral and non-polar, at codon 199 of the SLC7A7 protein (p.Ile199Val). This variant is present in population databases (rs779266344, gnomAD 0.02%). This variant has not been reported in the literature in individuals affected with SLC7A7-related conditions. ClinVar contains an entry for this variant (Variation ID: 312822). Algorithms developed to predict the effect of missense changes on protein structure and function are either unavailable or do not agree on the potential impact of this missense change (SIFT: "Tolerated"; PolyPhen-2: "Possibly Damaging"; Align-GVGD: "Class C0"). In summary, the available evidence is currently insufficient to determine the role of this variant in disease. Therefore, it has been classified as a Variant of Uncertain Significance.

Fulgent Genetics
Classification: Uncertain significance for Lysinuric protein intolerance. Last evaluated: 2022-03-30. Review status: criteria provided, single submitter. Criteria: ACMG Guidelines, 2015. Collection method: clinical testing. Allele origin: unknown.

Genome-Nilou Lab
Classification: Uncertain significance for Lysinuric protein intolerance. Last evaluated: 2021-11-07. Review status: criteria provided, single submitter. Criteria: ACMG Guidelines, 2015. Collection method: clinical testing. Allele origin: germline. Affected: no.

Illumina Laboratory Services, Illumina
Classification: Uncertain significance for Lysinuric protein intolerance. Last evaluated: 2018-01-13. Review status: criteria provided, single submitter. Criteria: ICSL Variant Classification Criteria 13 December 2019. Collection method: clinical testing. Allele origin: germline.

Natera, Inc.
Classification: Uncertain significance for Lysinuric protein intolerance. Last evaluated: 2019-11-11. Review status: no assertion criteria provided. Collection method: clinical testing. Allele origin: germline. Not counted in ClinVar's aggregate classification.

NM_003982.4(SLC7A7):c.595A>G (p.Ile199Val)

Gene: SLC7A7 (solute carrier family 7 member 7; minus strand). Cytogenetic location: 14q11.2.
Variant type: single nucleotide variant.
Coding change: c.595A>G on transcript NM_003982.4 (MANE Select); coding-DNA position 595, A replaced by G.
Protein change: p.Ile199Val; replaces isoleucine 199 with valine.
Molecular consequence: missense variant.
Genome position (GRCh38, 1-based): chr14:22,779,956, T>C on the plus strand (A>G on the coding strand, the complement: SLC7A7 is on the minus strand). VCF-style: chr14-22779956-T-C. GRCh37 (hg19) VCF-style: chr14-23249165-T-C.
Other names: c.595A>G, p.Ile199Val (NM_001126105.3, NM_001126106.4); short protein forms I199V.
Identifiers: ClinVar variation 312822 (VCV000312822.14), dbSNP rs779266344, ClinGen allele CA7104660.